The following is an entry in ClinVar:

ClinVar aggregate classification (germline): Likely benign (1 of 4 stars; one submission).

Submission:

CeGaT Center for Human Genetics Tuebingen
Classification: Likely benign. Last evaluated: 2023-10-01. Review status: criteria provided, single submitter. Criteria: CeGaT Center For Human Genetics Tuebingen Variant Classification Criteria Version 2. Collection method: clinical testing. Allele origin: germline. Affected: yes. Observed: 1 variant allele.
Comment: BCAS4: PM2:Supporting, BP4, BP7

NM_198799.4(BCAS4):c.400-418C>A

Gene: BCAS4 (breast carcinoma amplified sequence 4; plus strand). Cytogenetic location: 20q13.13.
Variant type: single nucleotide variant.
Coding change: c.400-418C>A on transcript NM_198799.4 (MANE Select); 418 bases into the intron before coding-DNA position 400, C replaced by A.
Molecular consequence: intron variant. On other transcripts: synonymous variant (1).
Genome position (GRCh38, 1-based): chr20:50,876,068, C>A. VCF-style: chr20-50876068-C-A. GRCh37 (hg19) VCF-style: chr20-49492605-C-A.
Other names: c.471C>A, p.Ser157= (NM_017843.5); c.355-418C>A (NM_001010974.2).
Identifiers: ClinVar variation 2652397 (VCV002652397.24), dbSNP rs762515527, ClinGen allele CA510884495.